The following is an entry in ClinVar:

ClinVar aggregate classification (germline): Likely benign (0 of 4 stars; one submission).

Conditions:
CNTN6-related disorder. Also called: CNTN6-related condition.

Allele frequency attached by ClinVar (database versions not stated): gnomAD exomes 0.00004; ExAC 0.00006; ESP Exome Variant Server 0.00015; gnomAD 0.00015; TOPMed 0.00026.
gnomAD v4.1: 78 of 1,601,572 alleles (0.0049%); highest among the groups gnomAD compares: African/African-American, 0.047%; no homozygotes.

Submission:

PreventionGenetics, part of Exact Sciences
Classification: Likely benign for CNTN6-related condition. Last evaluated: 2019-12-23. Review status: no assertion criteria provided. Collection method: clinical testing. Allele origin: germline.
Comment: This variant is classified as likely benign based on ACMG/AMP sequence variant interpretation guidelines (Richards et al. 2015 PMID: 25741868, with internal and published modifications).

NM_001289080.2(CNTN6):c.171G>A (p.Ser57=)

Gene: CNTN6 (contactin 6; plus strand). Cytogenetic location: 3p26.3.
Variant type: single nucleotide variant.
Coding change: c.171G>A on transcript NM_001289080.2 (MANE Select); coding-DNA position 171, G replaced by A.
Protein change: p.Ser57=; no amino-acid change (serine 57 retained).
Molecular consequence: synonymous variant. On other transcripts: 5 prime UTR variant (5).
Genome position (GRCh38, 1-based): chr3:1,220,802, G>A. VCF-style: chr3-1220802-G-A. GRCh37 (hg19) VCF-style: chr3-1262486-G-A.
Other names: c.-46G>A (NM_001289081.2); c.171G>A, p.Ser57= (NM_001349350.2, NM_001349351.2, NM_001349352.2 and 7 more transcripts); c.-767G>A (NM_001349359.2); c.-645G>A (NM_001349360.2); c.-947G>A (NM_001349361.2); c.-849G>A (NM_001349362.2).
Identifiers: ClinVar variation 3048542 (VCV003048542.2), dbSNP rs149735803, ClinGen allele CA2225670.
Genomic context (GRCh38, chr3:1,220,802, plus strand): 5'-TCCTTTGGATTTATCAAAATCTGAGGTCATCCTGAATTGTGCTGCTAATGGTTACCCTTC[G>A]CCTCATTATAGGTAAAATCCTACCTGTGGGCACCACACTATTTTGTTCTTCCTCACTGAA-3'
Protein context (NP_001276009.1, residues 47-67): ILNCAANGYP[Ser57=]PHYRWKQNGT